The following is an entry in ClinVar:

NM_014795.4(ZEB2):c.1631_1635dup (p.Asp546fs)

Gene: ZEB2 (zinc finger E-box binding homeobox 2; minus strand). Cytogenetic location: 2q22.3.
Variant type: Duplication.
Coding change: c.1631_1635dup on transcript NM_014795.4 (MANE Select); coding-DNA positions 1631 to 1635, 5 bases duplicated (CTACT; older notation c.1631_1635dupCTACT).
Protein change: p.Asp546fs; shifts the reading frame from aspartic acid 546.
Molecular consequence: frameshift variant.
Genome position (GRCh38, 1-based): chr2:144,399,552-144,399,556, AGTAG duplicated on the plus strand (CTACT on the coding strand, the reverse complement: ZEB2 is on the minus strand). VCF-style (leftmost placement, unchanged base first): chr2-144399551-C-CAGTAG. GRCh37 (hg19) VCF-style: chr2-145157118-C-CAGTAG.
Other names: c.1559_1563dup, p.Asp522fs (NM_001171653.2); short protein forms D522fs, D546fs.
Identifiers: ClinVar variation 2687498 (VCV002687498.2), dbSNP rs2549106628, ClinGen allele CA2586970118.

ClinVar aggregate classification (germline): Pathogenic (1 of 4 stars; one submission).

Conditions:
Mowat-Wilson syndrome (MOWS). Also called: Classic Mowat-Wilson Syndrome. Identifiers: Orphanet 2152, MedGen C1856113, MONDO:0009341, OMIM 235730.

Submission:

Medical Genetics Unit, Azienda USL-IRCCS di Reggio Emilia
Classification: Pathogenic for Mowat-Wilson syndrome. Last evaluated: 2023-10-20. Review status: criteria provided, single submitter. Criteria: ACMG Guidelines, 2015. Collection method: clinical testing. Allele origin: de novo. Affected: yes. Observed: 1 variant allele.
Comment: Heterozygous variant associated with Mowat-Wilson syndrome in at least 1 individual. ACMG/AMP criteria PVS1, PS2, PM2, PP4

Literature cited by the submitters: PubMed 29300384.